The following is an entry in ClinVar:

NM_001013703.4(EIF2AK4):c.2250-311C>T

Gene: EIF2AK4 (eukaryotic translation initiation factor 2 alpha kinase 4; plus strand). Cytogenetic location: 15q15.1.
Variant type: single nucleotide variant.
Coding change: c.2250-311C>T on transcript NM_001013703.4 (MANE Select); 311 bases into the intron before coding-DNA position 2250, C replaced by T.
Molecular consequence: intron variant.
Genome position (GRCh38, 1-based): chr15:39,977,767, C>T. VCF-style: chr15-39977767-C-T. GRCh37 (hg19) VCF-style: chr15-40269968-C-T.
Identifiers: ClinVar variation 4845516 (VCV004845516.1).

ClinVar aggregate classification (germline): Uncertain significance (1 of 4 stars; one submission).

Submission:

Greenwood Genetic Center Diagnostic Laboratories, Greenwood Genetic Center
Classification: Uncertain significance. Last evaluated: 2025-12-08. Review status: criteria provided, single submitter. Criteria: ACMG Guidelines, 2015. Collection method: clinical testing. Allele origin: germline. Affected: yes.
Comment: PM2